The following is an entry in ClinVar:

NM_005677.4(COLQ):c.1006G>A (p.Ala336Thr)

Gene: COLQ (collagen like tail subunit of asymmetric acetylcholinesterase; minus strand). Cytogenetic location: 3p25.1.
Variant type: single nucleotide variant.
Coding change: c.1006G>A on transcript NM_005677.4 (MANE Select); coding-DNA position 1006, G replaced by A.
Protein change: p.Ala336Thr; replaces alanine 336 with threonine.
Molecular consequence: missense variant.
Genome position (GRCh38, 1-based): chr3:15,456,528, C>T on the plus strand (G>A on the coding strand, the complement: COLQ is on the minus strand). VCF-style: chr3-15456528-C-T. GRCh37 (hg19) VCF-style: chr3-15498035-C-T.
Other names: c.976G>A, p.Ala326Thr (NM_080538.2); c.904G>A, p.Ala302Thr (NM_080539.4); short protein forms A302T, A326T, A336T.
Identifiers: ClinVar variation 1007798 (VCV001007798.8), dbSNP rs1221084401, ClinGen allele CA351596937.
Genomic context (GRCh38, chr3:15,456,528, plus strand): 5'-GGAGCCAGCCAAGGCTGTCCTTGAAGTACAGAGATCTCTGGTCTCTGCGGAAGGCAATGG[C>T]GTTTTGGGTGTTCAGCCTCTCAAGCTCCTCCTGGTTGTTGACCACAAAAATCTGCCAGAG-3'
Protein context (NP_005668.2, residues 326-346): EELERLNTQN[Ala336Thr]IAFRRDQRSL

ClinVar aggregate classification (germline): Uncertain significance (1 of 4 stars; one submission).

Conditions:
Congenital myasthenic syndrome 5. Identifiers: Orphanet 590, MedGen C1864233, MONDO:0011281, OMIM 603034.

Allele frequency attached by ClinVar (database versions not stated): gnomAD exomes below 0.00001; gnomAD 0.00001; TOPMed 0.00001.
gnomAD v4.1: 2 of 1,613,988 alleles (0.00012%); highest among the groups gnomAD compares: African/African-American, 0.0013%; no homozygotes.

Submission:

Labcorp Genetics (formerly Invitae), Labcorp
Classification: Uncertain significance for Congenital myasthenic syndrome 5. Last evaluated: 2024-04-25. Review status: criteria provided, single submitter. Criteria: Invitae Variant Classification Sherloc (09022015). Collection method: clinical testing. Allele origin: germline.
Comment: This sequence change replaces alanine, which is neutral and non-polar, with threonine, which is neutral and polar, at codon 336 of the COLQ protein (p.Ala336Thr). The frequency data for this variant in the population databases is considered unreliable, as metrics indicate poor data quality at this position in the gnomAD database. This missense change has been observed in individual(s) with clinical features of congenital myasthenic syndrome (Invitae). In at least one individual the data is consistent with being in trans (on the opposite chromosome) from a pathogenic variant. ClinVar contains an entry for this variant (Variation ID: 1007798). Advanced modeling of protein sequence and biophysical properties (such as structural, functional, and spatial information, amino acid conservation, physicochemical variation, residue mobility, and thermodynamic stability) performed at Invitae indicates that this missense variant is not expected to disrupt COLQ protein function with a negative predictive value of 80%. In summary, the available evidence is currently insufficient to determine the role of this variant in disease. Therefore, it has been classified as a Variant of Uncertain Significance.